The following is an entry in ClinVar:

ClinVar aggregate classification (germline): Uncertain significance (1 of 4 stars; one submission).

Conditions:
VPS13B-related disorder. Also called: VPS13B-related condition.

Submission:

PreventionGenetics, part of Exact Sciences
Classification: Uncertain significance for VPS13B-related condition. Last evaluated: 2025-07-23. Review status: criteria provided, single submitter. Criteria: ACMG Guidelines, 2015. Collection method: clinical testing. Allele origin: germline.
Comment: The VPS13B c.2789A>G variant is predicted to result in the amino acid substitution p.Gln930Arg. To our knowledge, this variant has not been reported in the literature or in a large population database (gnomAD), indicating this variant is rare. At this time, the clinical significance of this variant is uncertain due to the absence of conclusive functional and genetic evidence.

NM_152564.5(VPS13B):c.2789A>G (p.Gln930Arg)

Gene: VPS13B (vacuolar protein sorting 13 homolog B; plus strand). Cytogenetic location: 8q22.2.
Variant type: single nucleotide variant.
Coding change: c.2789A>G on transcript NM_152564.5 (MANE Select); coding-DNA position 2789, A replaced by G.
Protein change: p.Gln930Arg; replaces glutamine 930 with arginine.
Molecular consequence: missense variant.
Genome position (GRCh38, 1-based): chr8:99,275,219, A>G. VCF-style: chr8-99275219-A-G. GRCh37 (hg19) VCF-style: chr8-100287447-A-G.
Other names: c.2789A>G, p.Gln930Arg (NM_017890.5); short protein forms Q930R.
Identifiers: ClinVar variation 4999570 (VCV004999570.1).